The following is an entry in ClinVar:

NM_000195.5(HPS1):c.1118C>A (p.Pro373His)

Gene: HPS1 (HPS1 biogenesis of lysosomal organelles complex 3 subunit 1; minus strand). Cytogenetic location: 10q24.2.
Variant type: single nucleotide variant.
Coding change: c.1118C>A on transcript NM_000195.5 (MANE Select); coding-DNA position 1118, C replaced by A.
Protein change: p.Pro373His; replaces proline 373 with histidine.
Molecular consequence: missense variant.
Genome position (GRCh38, 1-based): chr10:98,425,855, G>T on the plus strand (C>A on the coding strand, the complement: HPS1 is on the minus strand). VCF-style: chr10-98425855-G-T. GRCh37 (hg19) VCF-style: chr10-100185612-G-T.
Other names: c.146C>A, p.Pro49His (NM_001311345.2, NM_001322487.2, NM_001322489.2); c.1118C>A, p.Pro373His (NM_001322476.2, NM_001322477.2); c.1019C>A, p.Pro340His (NM_001322478.2, NM_001322479.2); c.857C>A, p.Pro286His (NM_001322480.2, NM_001322481.2); c.758C>A, p.Pro253His (NM_001322482.2); c.749C>A, p.Pro250His (NM_001322483.2, NM_001322484.2); c.650C>A, p.Pro217His (NM_001322485.2); short protein forms P217H, P286H, P373H, P49H, P250H, P253H, P340H.
Identifiers: ClinVar variation 1386757 (VCV001386757.5), dbSNP rs945250747, ClinGen allele CA212764024.
Genomic context (GRCh38, chr10:98,425,855, plus strand): 5'-GGCAGGGTGAGGGGCTCTCCTACCCTGGTCAGGAGCACCAGGTTGATGCCCTGCCACAGG[G>T]GCAGGCAGTACATGGTGTGGGGCACTAGGGGGCAGTAGCTTTCCTTCACGTTGGCATCCA-3'
Protein context (NP_000186.2, residues 363-383): PLVPHTMYCL[Pro373His]LWQGINLVLL

ClinVar aggregate classification (germline): Uncertain significance. Review status: criteria provided, multiple submitters, no conflicts (2 of 4 stars). 2 submissions from 2 submitters: Uncertain significance (2). Last evaluated 2023-12-28.

Conditions:
Hermansky-Pudlak syndrome 1 (HPS1). Also called: DELTA STORAGE POOL DISEASE. Identifiers: Orphanet 231500, Orphanet 79430, MedGen C2931875, MONDO:0008748, OMIM 203300.

Allele frequency attached by ClinVar (database versions not stated): gnomAD exomes below 0.00001 and 0.00001; TOPMed 0.00001.
gnomAD v4.1: 8 of 1,614,108 alleles (0.0005%); highest among the groups gnomAD compares: Middle Eastern, 0.016%; no homozygotes.

Submissions (2):

Fulgent Genetics
Classification: Uncertain significance for Hermansky-Pudlak syndrome 1. Last evaluated: 2023-12-28. Review status: criteria provided, single submitter. Criteria: ACMG Guidelines, 2015. Collection method: clinical testing. Allele origin: germline.

Labcorp Genetics (formerly Invitae), Labcorp
Classification: Uncertain significance. Last evaluated: 2022-07-06. Review status: criteria provided, single submitter. Criteria: Invitae Variant Classification Sherloc (09022015). Collection method: clinical testing. Allele origin: germline.
Comment: This sequence change replaces proline, which is neutral and non-polar, with histidine, which is basic and polar, at codon 373 of the HPS1 protein (p.Pro373His). This variant is present in population databases (no rsID available, gnomAD 0.0009%). This variant has not been reported in the literature in individuals affected with HPS1-related conditions. ClinVar contains an entry for this variant (Variation ID: 1386757). Algorithms developed to predict the effect of missense changes on protein structure and function are either unavailable or do not agree on the potential impact of this missense change (SIFT: "Deleterious"; PolyPhen-2: "Probably Damaging"; Align-GVGD: "Class C0"). In summary, the available evidence is currently insufficient to determine the role of this variant in disease. Therefore, it has been classified as a Variant of Uncertain Significance.